The following is an entry in ClinVar:

ClinVar aggregate classification (germline): Uncertain significance. Review status: criteria provided, multiple submitters, no conflicts (2 of 4 stars). 2 submissions from 2 submitters: Uncertain significance (2). Last evaluated 2024-06-17.

Conditions:
Fanconi anemia (FA). Also called: Fanconi's anemia. Identifiers: Orphanet 84, MedGen C0015625, MeSH D005199, MONDO:0019391.
Fanconi anemia complementation group I (FANCI). Also called: FANCI-Related Fanconi Anemia. Identifiers: Orphanet 84, MedGen C1836861, MONDO:0012186, OMIM 609053.

Allele frequency attached by ClinVar (database versions not stated): ExAC 0.00002; gnomAD exomes 0.00004 and 0.00005; gnomAD 0.00006; TOPMed 0.00008.
gnomAD v4.1: 89 of 1,614,092 alleles (0.0055%); highest among the groups gnomAD compares: East Asian, 0.013%; no homozygotes.

Submissions (2):

Fulgent Genetics
Classification: Uncertain significance for Fanconi anemia complementation group I. Last evaluated: 2024-06-17. Review status: criteria provided, single submitter. Criteria: ACMG Guidelines, 2015. Collection method: clinical testing. Allele origin: germline.

Labcorp Genetics (formerly Invitae), Labcorp
Classification: Uncertain significance for Fanconi anemia. Last evaluated: 2022-04-04. Review status: criteria provided, single submitter. Criteria: Invitae Variant Classification Sherloc (09022015). Collection method: clinical testing. Allele origin: germline.
Comment: This sequence change replaces serine, which is neutral and polar, with glycine, which is neutral and non-polar, at codon 812 of the FANCI protein (p.Ser812Gly). This variant is present in population databases (rs768500794, gnomAD 0.02%). This variant has not been reported in the literature in individuals affected with FANCI-related conditions. ClinVar contains an entry for this variant (Variation ID: 408252). Algorithms developed to predict the effect of missense changes on protein structure and function (SIFT, PolyPhen-2, Align-GVGD) all suggest that this variant is likely to be tolerated. In summary, the available evidence is currently insufficient to determine the role of this variant in disease. Therefore, it has been classified as a Variant of Uncertain Significance.

NM_001113378.2(FANCI):c.2434A>G (p.Ser812Gly)

Gene: FANCI (FA complementation group I; plus strand). Cytogenetic location: 15q26.1.
Variant type: single nucleotide variant.
Coding change: c.2434A>G on transcript NM_001113378.2 (MANE Select); coding-DNA position 2434, A replaced by G.
Protein change: p.Ser812Gly; replaces serine 812 with glycine.
Molecular consequence: missense variant.
Genome position (GRCh38, 1-based): chr15:89,293,975, A>G. VCF-style: chr15-89293975-A-G. GRCh37 (hg19) VCF-style: chr15-89837206-A-G.
Other names: c.2155A>G, p.Ser719Gly (NM_001376910.1); c.2434A>G, p.Ser812Gly (NM_001376911.1, NM_018193.3); short protein forms S812G, S719G.
Identifiers: ClinVar variation 408252 (VCV000408252.7), dbSNP rs768500794, ClinGen allele CA7723378.